The following is an entry in ClinVar:

NM_002691.4(POLD1):c.1859C>T (p.Thr620Met)

Gene: POLD1 (DNA polymerase delta 1, catalytic subunit; plus strand). Cytogenetic location: 19q13.33.
Variant type: single nucleotide variant.
Coding change: c.1859C>T on transcript NM_002691.4 (MANE Select); coding-DNA position 1859, C replaced by T.
Protein change: p.Thr620Met; replaces threonine 620 with methionine.
Molecular consequence: missense variant. On other transcripts: non-coding transcript variant (1).
Genome position (GRCh38, 1-based): chr19:50,408,868, C>T. VCF-style: chr19-50408868-C-T. GRCh37 (hg19) VCF-style: chr19-50912125-C-T.
Other names: c.1859C>T, p.Thr620Met (NM_001256849.1); c.1937C>T, p.Thr646Met (NM_001308632.1); short protein forms T620M, T646M.
Identifiers: ClinVar variation 469224 (VCV000469224.9), dbSNP rs1309243644, ClinGen allele CA406982110.

ClinVar aggregate classification (germline): Uncertain significance. Review status: criteria provided, multiple submitters, no conflicts (2 of 4 stars). 2 submissions from 2 submitters: Uncertain significance (2). Last evaluated 2025-11-11.

Conditions:
Hereditary cancer-predisposing syndrome. Also called: Neoplastic Syndromes, Hereditary; Hereditary neoplastic syndrome; Tumor predisposition; Hereditary Cancer Syndrome. Identifiers: Orphanet 140162, MedGen C0027672, MeSH D009386, MONDO:0015356.
POLD1-related polyposis and colorectal cancer syndrome (CRCS10). Also called: Colorectal cancer 10; COLORECTAL CANCER, SUSCEPTIBILITY TO, ON CHROMOSOME 19q; Colorectal cancer, susceptibility to, 10. Identifiers: Orphanet 220460, MedGen C2675481, MONDO:0012953, OMIM 612591.

Allele frequency attached by ClinVar (database versions not stated): TOPMed below 0.00001; gnomAD 0.00001.
gnomAD v4.1: 4 of 1,613,518 alleles (0.00025%); highest among the groups gnomAD compares: Non-Finnish European, 0.00034%; no homozygotes.

Submissions (2):

Ambry Genetics
Classification: Uncertain significance for Hereditary cancer-predisposing syndrome. Last evaluated: 2025-11-11. Review status: criteria provided, single submitter. Criteria: Ambry Variant Classification Scheme 2023. Collection method: clinical testing. Allele origin: germline.
Comment: The p.T620M variant (also known as c.1859C>T), located in coding exon 14 of the POLD1 gene, results from a C to T substitution at nucleotide position 1859. The threonine at codon 620 is replaced by methionine, an amino acid with similar properties. This amino acid position is conserved. In addition, this alteration is predicted to be deleterious by in silico analysis. Since supporting evidence is limited at this time, the clinical significance of this alteration remains unclear.

Labcorp Genetics (formerly Invitae), Labcorp
Classification: Uncertain significance for POLD1-related polyposis and colorectal cancer syndrome. Last evaluated: 2024-08-12. Review status: criteria provided, single submitter. Criteria: Invitae Variant Classification Sherloc (09022015). Collection method: clinical testing. Allele origin: germline.
Comment: This sequence change replaces threonine, which is neutral and polar, with methionine, which is neutral and non-polar, at codon 620 of the POLD1 protein (p.Thr620Met). This variant is not present in population databases (gnomAD no frequency). This variant has not been reported in the literature in individuals affected with POLD1-related conditions. ClinVar contains an entry for this variant (Variation ID: 469224). Advanced modeling of protein sequence and biophysical properties (such as structural, functional, and spatial information, amino acid conservation, physicochemical variation, residue mobility, and thermodynamic stability) performed at Invitae indicates that this missense variant is expected to disrupt POLD1 protein function with a positive predictive value of 80%. In summary, the available evidence is currently insufficient to determine the role of this variant in disease. Therefore, it has been classified as a Variant of Uncertain Significance.